The following is an entry in ClinVar:

ClinVar aggregate classification (germline): Uncertain significance (1 of 4 stars; one submission).

Conditions:
COG4-congenital disorder of glycosylation. Also called: CONGENITAL DISORDER OF GLYCOSYLATION, TYPE IIj; COG4-CDG; CDG IIj. Identifiers: Orphanet 263501, MedGen C4303552, MONDO:0013281, OMIM 613489.

Allele frequency attached by ClinVar (database versions not stated): ExAC 0.00006; gnomAD exomes 0.00006 and 0.00007; ESP Exome Variant Server 0.00008; gnomAD 0.00008 and 0.00010; 1000 Genomes Project 30x 0.00031; 1000 Genomes Project 0.00040.
gnomAD v4.1: 111 of 1,548,666 alleles (0.0072%); highest among the groups gnomAD compares: East Asian, 0.019%; no homozygotes.

Submission:

Labcorp Genetics (formerly Invitae), Labcorp
Classification: Uncertain significance for COG4-congenital disorder of glycosylation. Last evaluated: 2021-11-30. Review status: criteria provided, single submitter. Criteria: Invitae Variant Classification Sherloc (09022015). Collection method: clinical testing. Allele origin: germline.
Comment: This sequence change replaces arginine, which is basic and polar, with cysteine, which is neutral and slightly polar, at codon 117 of the COG4 protein (p.Arg117Cys). This variant is present in population databases (rs149620212, gnomAD 0.01%). This variant has not been reported in the literature in individuals affected with COG4-related conditions. Algorithms developed to predict the effect of missense changes on protein structure and function are either unavailable or do not agree on the potential impact of this missense change (SIFT: "Deleterious"; PolyPhen-2: "Probably Damaging"; Align-GVGD: "Class C0"). In summary, the available evidence is currently insufficient to determine the role of this variant in disease. Therefore, it has been classified as a Variant of Uncertain Significance.

NM_015386.3(COG4):c.349C>T (p.Arg117Cys)

Gene: COG4 (component of oligomeric golgi complex 4; minus strand). Cytogenetic location: 16q22.1.
Variant type: single nucleotide variant.
Coding change: c.349C>T on transcript NM_015386.3 (MANE Select); coding-DNA position 349, C replaced by T.
Protein change: p.Arg117Cys; replaces arginine 117 with cysteine.
Molecular consequence: missense variant. On other transcripts: 5 prime UTR variant (1), non-coding transcript variant (1).
Genome position (GRCh38, 1-based): chr16:70,517,646, G>A on the plus strand (C>T on the coding strand, the complement: COG4 is on the minus strand). VCF-style: chr16-70517646-G-A. GRCh37 (hg19) VCF-style: chr16-70551549-G-A.
Other names: c.337C>T, p.Arg113Cys (NM_001195139.2); c.-251C>T (NM_001365426.1); short protein forms R117C, R113C.
Identifiers: ClinVar variation 1350313 (VCV001350313.6), dbSNP rs149620212, ClinGen allele CA8144731.